The following is an entry in ClinVar:

NM_022915.5(MRPL44):c.290A>G (p.Tyr97Cys)

Gene: MRPL44 (mitochondrial ribosomal protein L44; plus strand). Cytogenetic location: 2q36.1.
Variant type: single nucleotide variant.
Coding change: c.290A>G on transcript NM_022915.5 (MANE Select); coding-DNA position 290, A replaced by G.
Protein change: p.Tyr97Cys; replaces tyrosine 97 with cysteine.
Molecular consequence: missense variant.
Genome position (GRCh38, 1-based): chr2:223,959,644, A>G. VCF-style: chr2-223959644-A-G. GRCh37 (hg19) VCF-style: chr2-224824361-A-G.
Other names: short protein forms Y97C.
Identifiers: ClinVar variation 1516082 (VCV001516082.6), dbSNP rs747065129, ClinGen allele CA2139025.
Genomic context (GRCh38, chr2:223,959,644, plus strand): 5'-ATCGGTTACAGGAAAACTTTTCCTTAGATCTTCTCAAAACTGCATTTGTTAATAGCTGCT[A>G]TATTAAAAGTGAGGAGGCCAAACGCCAACAACTTGGGATAGAGAAAGAAGCTGTTCTTCT-3'
Protein context (NP_075066.1, residues 87-107): LLKTAFVNSC[Tyr97Cys]IKSEEAKRQQ

ClinVar aggregate classification (germline): Uncertain significance (1 of 4 stars; one submission).

Allele frequency attached by ClinVar (database versions not stated): gnomAD 0.00001; TOPMed 0.00001; ExAC 0.00002; gnomAD exomes 0.00003.
gnomAD v4.1: 9 of 1,614,088 alleles (0.00056%); highest among the groups gnomAD compares: Admixed American, 0.0083%; no homozygotes.

Submission:

Labcorp Genetics (formerly Invitae), Labcorp
Classification: Uncertain significance. Last evaluated: 2021-08-16. Review status: criteria provided, single submitter. Criteria: Invitae Variant Classification Sherloc (09022015). Collection method: clinical testing. Allele origin: germline.
Comment: This sequence change replaces tyrosine with cysteine at codon 97 of the MRPL44 protein (p.Tyr97Cys). The tyrosine residue is highly conserved and there is a large physicochemical difference between tyrosine and cysteine. This variant is present in population databases (rs747065129, ExAC 0.01%). This variant has not been reported in the literature in individuals affected with MRPL44-related conditions. Algorithms developed to predict the effect of missense changes on protein structure and function (SIFT, PolyPhen-2, Align-GVGD) all suggest that this variant is likely to be disruptive. In summary, the available evidence is currently insufficient to determine the role of this variant in disease. Therefore, it has been classified as a Variant of Uncertain Significance.